The following is an entry in ClinVar:

ClinVar aggregate classification (germline): Uncertain significance (1 of 4 stars; one submission).

Conditions:
Aicardi-Goutieres syndrome 4. Identifiers: Orphanet 51, MedGen C1835912, MONDO:0012472, OMIM 610333.

Submission:

Labcorp Genetics (formerly Invitae), Labcorp
Classification: Uncertain significance for Aicardi-Goutieres syndrome 4. Last evaluated: 2022-03-18. Review status: criteria provided, single submitter. Criteria: Invitae Variant Classification Sherloc (09022015). Collection method: clinical testing. Allele origin: germline.
Comment: Algorithms developed to predict the effect of missense changes on protein structure and function (SIFT, PolyPhen-2, Align-GVGD) all suggest that this variant is likely to be tolerated. In summary, the available evidence is currently insufficient to determine the role of this variant in disease. Therefore, it has been classified as a Variant of Uncertain Significance. This variant has not been reported in the literature in individuals affected with RNASEH2A-related conditions. This sequence change replaces arginine, which is basic and polar, with glycine, which is neutral and non-polar, at codon 25 of the RNASEH2A protein (p.Arg25Gly). This variant is not present in population databases (gnomAD no frequency).

NM_006397.3(RNASEH2A):c.73C>G (p.Arg25Gly)

Genes: RNASEH2A (ribonuclease H2 subunit A; plus strand), LOC117038795 (CRISPRi-FlowFISH-validated PRDX2 regulatory element 4; plus strand). Cytogenetic location: 19p13.13.
Variant type: single nucleotide variant.
Coding change: c.73C>G on transcript NM_006397.3 (MANE Select); coding-DNA position 73, C replaced by G.
Protein change: p.Arg25Gly; replaces arginine 25 with glycine.
Molecular consequence: missense variant.
Genome position (GRCh38, 1-based): chr19:12,806,746, C>G. VCF-style: chr19-12806746-C-G. GRCh37 (hg19) VCF-style: chr19-12917560-C-G.
Other names: short protein forms R25G.
Identifiers: ClinVar variation 2042655 (VCV002042655.4), dbSNP rs546042666, ClinGen allele CA404263329.